The following is an entry in ClinVar:

ClinVar aggregate classification (germline): Benign. Review status: criteria provided, multiple submitters, no conflicts (2 of 4 stars). 3 submissions from 3 submitters: Benign (3). Last evaluated 2025-07-31.

Conditions:
Rotor syndrome (HBLRR). Also called: HYPERBILIRUBINEMIA, ROTOR TYPE, DIGENIC; HYPERBILIRUBINEMIA, ROTOR TYPE. Identifiers: Orphanet 3111, MedGen C0220991, MONDO:0009379, OMIM 237450.

Allele frequency attached by ClinVar (database versions not stated): 1000 Genomes Project 0.06569; 1000 Genomes Project 30x 0.06621; gnomAD 0.10372 and 0.10532; TOPMed 0.10396; gnomAD exomes 0.11223; ExAC 0.11316; ESP Exome Variant Server 0.11433.
gnomAD v4.1: 211,714 of 1,612,444 alleles (13%); highest among the groups gnomAD compares: Middle Eastern, 23%; 16,016 homozygotes.

Submissions (6):

ARUP Laboratories, Molecular Genetics and Genomics, ARUP Laboratories
Classification: Benign for Rotor syndrome. Last evaluated: 2025-07-31. Review status: criteria provided, single submitter. Criteria: ARUP Molecular Germline Variant Investigation Process 2024. Collection method: clinical testing. Allele origin: germline.

Illumina Laboratory Services, Illumina
Classification: Benign for Rotor syndrome. Last evaluated: 2018-01-12. Review status: criteria provided, single submitter. Criteria: ICSL Variant Classification Criteria 13 December 2019. Collection method: clinical testing. Allele origin: germline.
Comment: This variant was observed in the ICSL laboratory as part of a predisposition screen in an ostensibly healthy population. It had not been previously curated by ICSL or reported in the Human Gene Mutation Database (HGMD: prior to June 1st, 2018), and was therefore a candidate for classification through an automated scoring system. Utilizing variant allele frequency, disease prevalence and penetrance estimates, and inheritance mode, an automated score was calculated to assess if this variant is too frequent to cause the disease. Based on the score and internal cut-off values, a variant classified as benign is not then subjected to further curation. The score for this variant resulted in a classification of benign for this disease.

Breakthrough Genomics
Classification: Benign. Review status: criteria provided, single submitter. Criteria: ACMG Guidelines, 2015. Collection method: not provided. Allele origin: germline. Inheritance: Autosomal recessive inheritance. Affected: yes.

Dr. Peter K. Rogan Lab, Western University
No classification provided (evidence only). Condition: Cholangiocarcinoma. Review status: no classification provided. Collection method: in vitro. Allele origin: not applicable. Functional consequence: retained intron. Not counted in ClinVar's aggregate classification.

Dr. Peter K. Rogan Lab, Western University
No classification provided (evidence only). Condition: Cholangiocarcinoma. Review status: no classification provided. Collection method: in vitro. Allele origin: not applicable. Functional consequence: retained intron. Not counted in ClinVar's aggregate classification.

Dr. Peter K. Rogan Lab, Western University
No classification provided (evidence only). Condition: Cholangiocarcinoma. Review status: no classification provided. Collection method: in vitro. Allele origin: not applicable. Functional consequence: retained intron. Not counted in ClinVar's aggregate classification.

NM_019844.4(SLCO1B3):c.767G>C (p.Gly256Ala)

Genes: SLCO1B3 (solute carrier organic anion transporter family member 1B3; plus strand), SLCO1B3-SLCO1B7 (SLCO1B3-SLCO1B7 readthrough; plus strand). Cytogenetic location: 12p12.2.
Variant type: single nucleotide variant.
Coding change: c.767G>C on transcript NM_019844.4 (MANE Select); coding-DNA position 767, G replaced by C.
Protein change: p.Gly256Ala; replaces glycine 256 with alanine.
Molecular consequence: missense variant.
Genome position (GRCh38, 1-based): chr12:20,875,274, G>C. VCF-style: chr12-20875274-G-C. GRCh37 (hg19) VCF-style: chr12-21028208-G-C.
Other names: c.683G>C, p.Gly228Ala (NM_001349920.2); short protein forms G256A, G228A.
Identifiers: ClinVar variation 307896 (VCV000307896.21), dbSNP rs60140950, ClinGen allele CA6475347.